The following is an entry in ClinVar:

NM_000088.4(COL1A1):c.2068C>T (p.Pro690Ser)

Gene: COL1A1 (collagen type I alpha 1 chain; minus strand). Cytogenetic location: 17q21.33.
Variant type: single nucleotide variant.
Coding change: c.2068C>T on transcript NM_000088.4 (MANE Select); coding-DNA position 2068, C replaced by T.
Protein change: p.Pro690Ser; replaces proline 690 with serine.
Molecular consequence: missense variant.
Genome position (GRCh38, 1-based): chr17:50,191,847, G>A on the plus strand (C>T on the coding strand, the complement: COL1A1 is on the minus strand). VCF-style: chr17-50191847-G-A. GRCh37 (hg19) VCF-style: chr17-48269208-G-A.
Other names: short protein forms P690S.
Identifiers: ClinVar variation 3665895 (VCV003665895.2).

ClinVar aggregate classification (germline): Uncertain significance (1 of 4 stars; one submission).

Conditions:
Osteogenesis imperfecta type I (OI1). Also called: OI, TYPE I; OSTEOGENESIS IMPERFECTA TARDA; OSTEOGENESIS IMPERFECTA WITH BLUE SCLERAE; Osteogenesis imperfecta type 1; Lobstein's Disease; Lobstein disease. Identifiers: Orphanet 216796, Orphanet 666, MedGen C0023931, MONDO:0008146, OMIM 166200. Disease mechanism: loss of function.

gnomAD v4.1: 10 of 1,603,540 alleles (0.00062%); highest among the groups gnomAD compares: Non-Finnish European, 0.00085%; no homozygotes.

Submission:

Labcorp Genetics (formerly Invitae), Labcorp
Classification: Uncertain significance for Osteogenesis imperfecta type I. Last evaluated: 2025-02-06. Review status: criteria provided, single submitter. Criteria: Invitae Variant Classification Sherloc (09022015). Collection method: clinical testing. Allele origin: germline.
Comment: This sequence change replaces proline, which is neutral and non-polar, with serine, which is neutral and polar, at codon 690 of the COL1A1 protein (p.Pro690Ser). This variant is not present in population databases (gnomAD no frequency). This variant has not been reported in the literature in individuals affected with COL1A1-related conditions. Invitae Evidence Modeling of protein sequence and biophysical properties (such as structural, functional, and spatial information, amino acid conservation, physicochemical variation, residue mobility, and thermodynamic stability) has been performed for this missense variant. However, the output from this modeling did not meet the statistical confidence thresholds required to predict the impact of this variant on COL1A1 protein function. In summary, the available evidence is currently insufficient to determine the role of this variant in disease. Therefore, it has been classified as a Variant of Uncertain Significance.